The following is an entry in ClinVar:

NM_016222.4(DDX41):c.1852A>G (p.Ser618Gly)

Gene: DDX41 (DEAD-box helicase 41; minus strand). Cytogenetic location: 5q35.3.
Variant type: single nucleotide variant.
Coding change: c.1852A>G on transcript NM_016222.4 (MANE Select); coding-DNA position 1852, A replaced by G.
Protein change: p.Ser618Gly; replaces serine 618 with glycine.
Molecular consequence: missense variant.
Genome position (GRCh38, 1-based): chr5:177,511,808, T>C on the plus strand (A>G on the coding strand, the complement: DDX41 is on the minus strand). VCF-style: chr5-177511808-T-C. GRCh37 (hg19) VCF-style: chr5-176938809-T-C.
Other names: c.1474A>G, p.Ser492Gly (NM_001321732.2, NM_001321830.2); c.1852A>G (NM_016222.2); short protein forms S492G, S618G.
Identifiers: ClinVar variation 3602718 (VCV003602718.2).

ClinVar aggregate classification (germline): Uncertain significance. Review status: criteria provided, multiple submitters, no conflicts (2 of 4 stars). 2 submissions from 2 submitters: Uncertain significance (2). Last evaluated 2025-04-11.

Conditions:
DDX41-related hematologic malignancy predisposition syndrome. Also called: Myeloproliferative/lymphoproliferative neoplasms, familial (multiple types), susceptibility to; DDX41-Associated Familial Myelodysplastic Syndrome and Acute Myeloid Leukemia. Identifiers: Orphanet 488647, MedGen C4225174, MONDO:0014809, OMIM 616871.
Inborn genetic diseases. Identifiers: MedGen C0950123, MeSH D030342.

gnomAD v4.1: 3 of 1,614,062 alleles (0.00019%); highest among the groups gnomAD compares: African/African-American, 0.0027%; no homozygotes.

Submissions (2):

Ambry Genetics
Classification: Uncertain significance for Inborn genetic diseases. Last evaluated: 2025-04-11. Review status: criteria provided, single submitter. Criteria: Ambry Variant Classification Scheme 2023. Collection method: clinical testing. Allele origin: germline.
Comment: The p.S618G variant (also known as c.1852A>G), located in coding exon 17 of the DDX41 gene, results from an A to G substitution at nucleotide position 1852. The serine at codon 618 is replaced by glycine, an amino acid with similar properties. This amino acid position is highly conserved in available vertebrate species. In addition, this alteration is predicted to be tolerated by in silico analysis. Based on the available evidence, the clinical significance of this variant remains unclear.

St. Jude Molecular Pathology, St. Jude Children's Research Hospital
Classification: Uncertain significance for DDX41-related hematologic malignancy predisposition syndrome. Last evaluated: 2024-08-09. Review status: criteria provided, single submitter. Criteria: St. Jude Assertion Criteria 2020. Collection method: clinical testing. Allele origin: germline.
Comment: The DDX41 c.1852A>G (p.Ser618Gly) missense change is absent in gnomAD v2.1.1. The in silico tool REVEL predicts a benign effect on protein function, but to our knowledge this prediction has not been confirmed by functional studies. To our knowledge, this variant has not been reported in individuals with a personal and/or family history of myelodysplastic syndrome and/or acute myeloid leukemia. In summary, the evidence currently available is insufficient to determine the clinical significance of this variant. It has therefore been classified as of uncertain significance.

Literature cited by the submitters: PubMed 37506341 (cited by Ambry Genetics).